The following is an entry in ClinVar:

NM_000330.4(RS1):c.78+3A>G

Gene: RS1 (retinoschisin 1; minus strand). Cytogenetic location: Xp22.13.
Variant type: single nucleotide variant.
Coding change: c.78+3A>G on transcript NM_000330.4 (MANE Select); 3 bases into the intron after coding-DNA position 78, A replaced by G.
Molecular consequence: intron variant.
Genome position (GRCh38, 1-based): chrX:18,657,637, T>C on the plus strand (A>G on the coding strand, the complement: RS1 is on the minus strand). VCF-style: chrX-18657637-T-C. GRCh37 (hg19) VCF-style: chrX-18675757-T-C.
Identifiers: ClinVar variation 4711552 (VCV004711552.1).
Genomic context (GRCh38, chrX:18,657,637, plus strand): 5'-TTGGCTAGGAAAATTTTCAAAAGTACTATGCATGTACATTACAGCCTTCTTACTGTTACA[T>C]ACCTCGGTAGACGATAATCCCAATGTGGCTAAAGCAAAAGGATGAGACAGAAAAAATCTA-3'

ClinVar aggregate classification (germline): Uncertain significance (1 of 4 stars; one submission).

Submission:

Labcorp Genetics (formerly Invitae), Labcorp
Classification: Uncertain significance. Last evaluated: 2025-04-17. Review status: criteria provided, single submitter. Criteria: Invitae Variant Classification Sherloc (09022015). Collection method: clinical testing. Allele origin: germline.
Comment: This sequence change falls in intron 2 of the RS1 gene. It does not directly change the encoded amino acid sequence of the RS1 protein. It affects a nucleotide within the consensus splice site. This variant is not present in population databases (gnomAD no frequency). This variant has not been reported in the literature in individuals affected with RS1-related conditions. Variants that disrupt the consensus splice site are a relatively common cause of aberrant splicing (PMID: 17576681, 9536098). Algorithms developed to predict the effect of sequence changes on RNA splicing suggest that this variant may disrupt the consensus splice site. In summary, the available evidence is currently insufficient to determine the role of this variant in disease. Therefore, it has been classified as a Variant of Uncertain Significance.

Literature cited by the submitters: PubMed 17576681; PubMed 9536098.